The following is an entry in ClinVar:

NM_001267550.2(TTN):c.63709A>G (p.Thr21237Ala)

Genes: TTN (titin; minus strand), TTN-AS1 (TTN antisense RNA 1; plus strand). Cytogenetic location: 2q31.2.
Variant type: single nucleotide variant.
Coding change: c.63709A>G on transcript NM_001267550.2 (MANE Select); coding-DNA position 63709, A replaced by G.
Protein change: p.Thr21237Ala; replaces threonine 21237 with alanine.
Molecular consequence: missense variant.
Genome position (GRCh38, 1-based): chr2:178,587,600, T>C on the plus strand (A>G on the coding strand, the complement: TTN is on the minus strand). VCF-style: chr2-178587600-T-C. GRCh37 (hg19) VCF-style: chr2-179452327-T-C.
Other names: c.58786A>G, p.Thr19596Ala (NM_001256850.1); c.36514A>G, p.Thr12172Ala (NM_003319.4); c.56005A>G, p.Thr18669Ala (NM_133378.4); c.36889A>G, p.Thr12297Ala (NM_133432.3); c.37090A>G, p.Thr12364Ala (NM_133437.4); short protein forms T12172A, T12297A, T12364A, T18669A, T21237A, T19596A.
Identifiers: ClinVar variation 930809 (VCV000930809.27), dbSNP rs766847414, ClinGen allele CA1992041.

ClinVar aggregate classification (germline): Uncertain significance. Review status: criteria provided, multiple submitters, no conflicts (2 of 4 stars). 2 submissions from 2 submitters: Uncertain significance (2). Last evaluated 2022-12-01.

Allele frequency attached by ClinVar (database versions not stated): gnomAD exomes below 0.00001; ExAC 0.00001; gnomAD 0.00001; TOPMed 0.00001.

Submissions (2):

CeGaT Center for Human Genetics Tuebingen
Classification: Uncertain significance. Last evaluated: 2022-12-01. Review status: criteria provided, single submitter. Criteria: CeGaT Center For Human Genetics Tuebingen Variant Classification Criteria Version 2. Collection method: clinical testing. Allele origin: germline. Affected: yes. Observed: 1 variant allele.

Centre for Mendelian Genomics, University Medical Centre Ljubljana
Classification: Uncertain significance. Last evaluated: 2019-03-07. Review status: criteria provided, single submitter. Criteria: ACMG Guidelines, 2015. Collection method: clinical testing. Allele origin: unknown. Affected: yes.
Comment: This variant was classified as: Uncertain significance. The available evidence on this variant's pathogenicity is insufficient or conflicting. The following ACMG criteria were applied in classifying this variant: PP3,BP1.